The following is an entry in ClinVar:

ClinVar aggregate classification (germline): Uncertain significance (1 of 4 stars; one submission).

Conditions:
EGFR-related lung cancer (EGFR). Identifiers: MedGen CN130014.

Submission:

Labcorp Genetics (formerly Invitae), Labcorp
Classification: Uncertain significance for EGFR-related lung cancer. Last evaluated: 2024-05-07. Review status: criteria provided, single submitter. Criteria: Invitae Variant Classification Sherloc (09022015). Collection method: clinical testing. Allele origin: germline.
Comment: This sequence change replaces cysteine, which is neutral and slightly polar, with glycine, which is neutral and non-polar, at codon 595 of the EGFR protein (p.Cys595Gly). This variant is not present in population databases (gnomAD no frequency). This variant has not been reported in the literature in individuals affected with EGFR-related conditions. Advanced modeling of protein sequence and biophysical properties (such as structural, functional, and spatial information, amino acid conservation, physicochemical variation, residue mobility, and thermodynamic stability) performed at Invitae indicates that this missense variant is expected to disrupt EGFR protein function with a positive predictive value of 80%. In summary, the available evidence is currently insufficient to determine the role of this variant in disease. Therefore, it has been classified as a Variant of Uncertain Significance.

NM_005228.5(EGFR):c.1783T>G (p.Cys595Gly)

Gene: EGFR (epidermal growth factor receptor; plus strand). Cytogenetic location: 7p11.2.
Variant type: single nucleotide variant.
Coding change: c.1783T>G on transcript NM_005228.5 (MANE Select); coding-DNA position 1783, T replaced by G.
Protein change: p.Cys595Gly; replaces cysteine 595 with glycine.
Molecular consequence: missense variant.
Genome position (GRCh38, 1-based): chr7:55,165,340, T>G. VCF-style: chr7-55165340-T-G. GRCh37 (hg19) VCF-style: chr7-55233033-T-G.
Other names: c.1648T>G, p.Cys550Gly (NM_001346897.2, NM_001346899.2); c.1783T>G, p.Cys595Gly (NM_001346898.2, NM_201282.2, NM_201284.2); c.1624T>G, p.Cys542Gly (NM_001346900.2); c.982T>G, p.Cys328Gly (NM_001346941.2); short protein forms C542G, C328G, C595G, C550G.
Identifiers: ClinVar variation 3652468 (VCV003652468.2).
Genomic context (GRCh38, chr7:55,165,340, plus strand): 5'-GGACCAGACAACTGTATCCAGTGTGCCCACTACATTGACGGCCCCCACTGCGTCAAGACC[T>G]GCCCGGCAGGAGTCATGGGAGAAAACAACACCCTGGTCTGGAAGTACGCAGACGCCGGCC-3'
Protein context (NP_005219.2, residues 585-605): YIDGPHCVKT[Cys595Gly]PAGVMGENNT